The following is an entry in ClinVar:

ClinVar aggregate classification (germline): Uncertain significance (1 of 4 stars; one submission).

Submission:

Ambry Genetics
Classification: Uncertain significance. Last evaluated: 2022-07-30. Review status: criteria provided, single submitter. Criteria: Ambry Variant Classification Scheme 2023. Collection method: clinical testing. Allele origin: germline.
Comment: The p.S87P variant (also known as c.259T>C), located in coding exon 1 of the MNDA gene, results from a T to C substitution at nucleotide position 259. The serine at codon 87 is replaced by proline, an amino acid with similar properties. This amino acid position is conserved. In addition, this alteration is predicted to be tolerated by in silico analysis. Since supporting evidence is limited at this time, the clinical significance of this alteration remains unclear.

NM_002432.3(MNDA):c.259T>C (p.Ser87Pro)

Gene: MNDA (myeloid cell nuclear differentiation antigen; plus strand). Cytogenetic location: 1q23.1.
Variant type: single nucleotide variant.
Coding change: c.259T>C on transcript NM_002432.3 (MANE Select); coding-DNA position 259, T replaced by C.
Protein change: p.Ser87Pro; replaces serine 87 with proline.
Molecular consequence: missense variant.
Genome position (GRCh38, 1-based): chr1:158,842,412, T>C. VCF-style: chr1-158842412-T-C. GRCh37 (hg19) VCF-style: chr1-158812202-T-C.
Other names: short protein forms S87P.
Identifiers: ClinVar variation 1793627 (VCV001793627.2), dbSNP rs1222819443, ClinGen allele CA343037144.